The following is an entry in ClinVar:

ClinVar aggregate classification (germline): Conflicting classifications of pathogenicity. Review status: criteria provided, conflicting classifications (1 of 4 stars). 3 submissions from 3 submitters: Uncertain significance (1); Likely benign (2). Last evaluated 2026-09-09.

Conditions:
Hereditary cancer-predisposing syndrome. Also called: Neoplastic Syndromes, Hereditary; Tumor predisposition; Hereditary Cancer Syndrome; Hereditary neoplastic syndrome. Identifiers: Orphanet 140162, MedGen C0027672, MeSH D009386, MONDO:0015356.
Tuberous sclerosis 1 (TSC1). Identifiers: Orphanet 805, MedGen C1854465, MONDO:0008612, OMIM 191100.

Allele frequency attached by ClinVar (database versions not stated): gnomAD exomes below 0.00001.
gnomAD v4.1: 11 of 1,614,112 alleles (0.00068%); highest among the groups gnomAD compares: African/African-American, 0.0067%; no homozygotes.

Submissions (3):

Ambry Genetics
Classification: Uncertain significance for Hereditary cancer-predisposing syndrome. Last evaluated: 2026-09-09. Review status: criteria provided, single submitter. Criteria: Ambry Variant Classification Scheme 2023. Collection method: clinical testing. Allele origin: germline.
Comment: The c.364-5T>C intronic variant results from a T to C substitution 5 nucleotides upstream from coding exon 4 in the TSC1 gene. This nucleotide position is not well conserved in available vertebrate species. In silico splice site analysis predicts that this alteration will not have any significant effect on splicing; however, direct evidence is insufficient at this time (Ambry internal data). Based on the available evidence, the clinical significance of this variant remains unclear.

Labcorp Genetics (formerly Invitae), Labcorp
Classification: Likely benign for Tuberous sclerosis 1. Last evaluated: 2026-02-03. Review status: criteria provided, single submitter. Criteria: Invitae Variant Classification Sherloc (09022015). Collection method: clinical testing. Allele origin: germline.

Myriad Genetics, Inc.
Classification: Likely benign for Tuberous sclerosis 1. Last evaluated: 2025-04-08. Review status: criteria provided, single submitter. Criteria: Myriad Autosomal Dominant, Autosomal Recessive and X-Linked Classification Criteria (2023). Collection method: clinical testing. Allele origin: unknown.
Comment: This variant is considered likely benign. This variant is intronic and is not expected to impact mRNA splicing.

NM_000368.5(TSC1):c.364-5T>C

Gene: TSC1 (TSC complex subunit 1; minus strand). Cytogenetic location: 9q34.13.
Variant type: single nucleotide variant.
Coding change: c.364-5T>C on transcript NM_000368.5 (MANE Select); 5 bases into the intron before coding-DNA position 364, T replaced by C.
Molecular consequence: intron variant.
Genome position (GRCh38, 1-based): chr9:132,923,497, A>G on the plus strand (T>C on the coding strand, the complement: TSC1 is on the minus strand). VCF-style: chr9-132923497-A-G. GRCh37 (hg19) VCF-style: chr9-135798884-A-G.
Other names: c.1-5T>C (NM_001362177.2); c.211-5T>C (NM_001162427.2); c.364-5T>C (NM_001162426.2, NM_000368.4).
Identifiers: ClinVar variation 1125224 (VCV001125224.12), dbSNP rs111865190, ClinGen allele CA200901626.